The following is an entry in ClinVar:

ClinVar aggregate classification (germline): Likely benign. Review status: criteria provided, single submitter (1 of 4 stars). 2 submissions from 2 submitters: Likely benign (1). 1 of the submissions does not count toward it. Last evaluated 2025-11-01.

Conditions:
ATRIP-related disorder. Also called: ATRIP-related condition.

Allele frequency attached by ClinVar (database versions not stated): gnomAD 0.00004; ExAC 0.00005; 1000 Genomes Project 0.00020; 1000 Genomes Project 30x 0.00031.
gnomAD v4.1: 62 of 1,614,052 alleles (0.0038%); highest among the groups gnomAD compares: Admixed American, 0.047%; no homozygotes.

Submissions (2):

Labcorp Genetics (formerly Invitae), Labcorp
Classification: Likely benign. Last evaluated: 2025-11-01. Review status: criteria provided, single submitter. Criteria: Invitae Variant Classification Sherloc (09022015). Collection method: clinical testing. Allele origin: germline.

PreventionGenetics, part of Exact Sciences
Classification: Likely benign for ATRIP-related condition. Last evaluated: 2019-03-22. Review status: no assertion criteria provided. Collection method: clinical testing. Allele origin: germline. Not counted in ClinVar's aggregate classification.
Comment: This variant is classified as likely benign based on ACMG/AMP sequence variant interpretation guidelines (Richards et al. 2015 PMID: 25741868, with internal and published modifications).

NM_130384.3(ATRIP):c.2130C>T (p.Thr710=)

Genes: ATRIP (ATR interacting protein; plus strand), ATRIP-TREX1 (ATRIP-TREX1 readthrough; plus strand). Cytogenetic location: 3p21.31.
Variant type: single nucleotide variant.
Coding change: c.2130C>T on transcript NM_130384.3 (MANE Select); coding-DNA position 2130, C replaced by T.
Protein change: p.Thr710=; no amino-acid change (threonine 710 retained).
Molecular consequence: synonymous variant. On other transcripts: non-coding transcript variant (1).
Genome position (GRCh38, 1-based): chr3:48,464,905, C>T. VCF-style: chr3-48464905-C-T. GRCh37 (hg19) VCF-style: chr3-48506304-C-T.
Other names: c.2130C>T (NM_130384.2); c.1749C>T, p.Thr583= (NM_001271022.2); c.1851C>T, p.Thr617= (NM_001271023.2); c.2049C>T, p.Thr683= (NM_032166.4).
Identifiers: ClinVar variation 2168495 (VCV002168495.6), dbSNP rs3135938, ClinGen allele CA2376406.
Genomic context (GRCh38, chr3:48,464,905, plus strand): 5'-CACGGTGATGTTGCACAGACAGTGGCTGACAGTGCGGAGGGCAGGGGGACCCCCAAGGAC[C>T]GACCAGCAGAGGCGGACAGTGCGCTGTCTGCGGGACACGGTGCTGCTGCTGCACGGCCTA-3'
Protein context (NP_569055.1, residues 700-720): TVRRAGGPPR[Thr710=]DQQRRTVRCL